The following is an entry in ClinVar:

ClinVar aggregate classification (germline): Uncertain significance. Review status: criteria provided, single submitter (1 of 4 stars). 2 submissions from 2 submitters: Uncertain significance (1). 1 of the submissions does not count toward it. Last evaluated 2021-09-16.

Conditions:
Hereditary cancer-predisposing syndrome. Also called: Tumor predisposition; Hereditary neoplastic syndrome; Hereditary Cancer Syndrome; Neoplastic Syndromes, Hereditary. Identifiers: Orphanet 140162, MedGen C0027672, MeSH D009386, MONDO:0015356.
Pheochromocytoma/paraganglioma syndrome 1. Also called: PARAGANGLIOMATA; PARAGANGLIOMAS, FAMILIAL NONCHROMAFFIN, 1; PGL 1; Paragangliomas familial 1; Paraganglioma - glomus jugulare; SDHD-Related Hereditary Paraganglioma-Pheochromocytoma Syndrome. Identifiers: Orphanet 29072, MedGen C3494181, MONDO:0008192, OMIM 168000.

Submissions (2):

Sema4
Classification: Uncertain significance for Hereditary cancer-predisposing syndrome. Last evaluated: 2021-09-16. Review status: criteria provided, single submitter. Criteria: Sema4 Curation Guidelines. Collection method: curation. Allele origin: germline.
Comment: The SDHD c.463delA (p.M155CfsX13) variant has been reported in heterozygosity in at least one individual with bilateral paraganglioma (PMID: 15032977). As this variant is not predicted to cause nonsense-mediated decay, the protein product is expected to be truncated. This variant is not reported in the population database Genome Aggregation Database (PMID: 32461654), but has been reported in ClinVar (Variation ID: 6910). The overall evidence is inconsistent with ACMG/AMP requirements for a classification of benign or pathogenic. In summary, the clinical significance of this variant is currently uncertain.

OMIM
Classification: Pathogenic for PHEOCHROMOCYTOMA/PARAGANGLIOMA SYNDROME 1. Last evaluated: 2004-01-01. Review status: no assertion criteria provided. Collection method: literature only. Allele origin: germline. Not counted in ClinVar's aggregate classification.

Literature cited by the submitters: PubMed 15032977 (cited by Sema4 and OMIM).

NM_003002.4(SDHD):c.463del (p.Met155fs)

Gene: SDHD (succinate dehydrogenase complex subunit D; plus strand). Cytogenetic location: 11q23.1.
Variant type: Deletion.
Coding change: c.463del on transcript NM_003002.4 (MANE Select); coding-DNA position 463, one base deleted (A; older notation c.463delA).
Protein change: p.Met155fs; shifts the reading frame from methionine 155.
Molecular consequence: frameshift variant. On other transcripts: 3 prime UTR variant (2), non-coding transcript variant (1).
Genome position (GRCh38, 1-based): chr11:112,094,953, A deleted. VCF-style (leftmost placement, unchanged base first): chr11-112094952-CA-C. GRCh37 (hg19) VCF-style: chr11-111965676-CA-C.
Other names: c.*60del (NM_001276503.2); c.346del, p.Met116fs (NM_001276504.2); c.*161del (NM_001276506.2); short protein forms M116fs, M155fs.
Identifiers: ClinVar variation 6910 (VCV000006910.6), dbSNP rs587776647, ClinGen allele CA017047.